The following is an entry in ClinVar:

NM_001005373.4(LRSAM1):c.1714C>G (p.Arg572Gly)

Gene: LRSAM1 (leucine rich repeat and sterile alpha motif containing 1; plus strand). Cytogenetic location: 9q33.3.
Variant type: single nucleotide variant.
Coding change: c.1714C>G on transcript NM_001005373.4 (MANE Select); coding-DNA position 1714, C replaced by G.
Protein change: p.Arg572Gly; replaces arginine 572 with glycine.
Molecular consequence: missense variant. On other transcripts: non-coding transcript variant (2).
Genome position (GRCh38, 1-based): chr9:127,495,979, C>G. VCF-style: chr9-127495979-C-G. GRCh37 (hg19) VCF-style: chr9-130258258-C-G.
Other names: c.1714C>G, p.Arg572Gly (NM_001005374.4, NM_001384142.1, NM_138361.5); c.1633C>G, p.Arg545Gly (NM_001190723.3); c.1615C>G, p.Arg539Gly (NM_001384143.1); c.925C>G, p.Arg309Gly (NM_001384144.1); short protein forms R539G, R572G, R309G, R545G.
Identifiers: ClinVar variation 2911829 (VCV002911829.3), dbSNP rs1359751742, ClinGen allele CA374935594.

ClinVar aggregate classification (germline): Uncertain significance (1 of 4 stars; one submission).

Conditions:
Charcot-Marie-Tooth disease axonal type 2P. Also called: Charcot-Marie-Tooth Neuropathy Type 2G; CHARCOT-MARIE-TOOTH DISEASE, AXONAL, TYPE 2G; CMT 2G; CHARCOT-MARIE-TOOTH NEUROPATHY, TYPE 2P. Identifiers: Orphanet 300319, Orphanet 99941, MedGen C3280797, MONDO:0013753, OMIM 614436.

gnomAD v4.1: 4 of 1,612,764 alleles (0.00025%); highest among the groups gnomAD compares: Non-Finnish European, 0.00034%; no homozygotes.

Submission:

Labcorp Genetics (formerly Invitae), Labcorp
Classification: Uncertain significance for Charcot-Marie-Tooth disease axonal type 2P. Last evaluated: 2023-04-17. Review status: criteria provided, single submitter. Criteria: Invitae Variant Classification Sherloc (09022015). Collection method: clinical testing. Allele origin: germline.
Comment: In summary, the available evidence is currently insufficient to determine the role of this variant in disease. Therefore, it has been classified as a Variant of Uncertain Significance. Advanced modeling of protein sequence and biophysical properties (such as structural, functional, and spatial information, amino acid conservation, physicochemical variation, residue mobility, and thermodynamic stability) performed at Invitae indicates that this missense variant is not expected to disrupt LRSAM1 protein function. This variant has not been reported in the literature in individuals affected with LRSAM1-related conditions. This variant is not present in population databases (gnomAD no frequency). This sequence change replaces arginine, which is basic and polar, with glycine, which is neutral and non-polar, at codon 572 of the LRSAM1 protein (p.Arg572Gly).